The following is an entry in ClinVar:

ClinVar aggregate classification (germline): Benign/Likely benign. Review status: criteria provided, multiple submitters, no conflicts (2 of 4 stars). 11 submissions from 11 submitters: Benign (3); Likely benign (6). 2 of the submissions do not count toward it. Last evaluated 2026-09-01.

Conditions:
MARS1-related disorder. Also called: MARS1-related condition.
Charcot-Marie-Tooth disease axonal type 2U. Also called: CHARCOT-MARIE-TOOTH NEUROPATHY, TYPE 2U; CHARCOT-MARIE-TOOTH DISEASE, AXONAL, AUTOSOMAL DOMINANT, TYPE 2U. Identifiers: Orphanet 397735, MedGen C4084821, MONDO:0014566, OMIM 616280.
Severe early-onset pulmonary alveolar proteinosis due to MARS deficiency. Also called: PULMONARY ALVEOLAR PROTEINOSIS, REUNION ISLAND; Interstitial lung and liver disease. Identifiers: Orphanet 440427, MedGen C4225400, MONDO:0014206, OMIM 615486.
Charcot-Marie-Tooth disease. Also called: Charcot-Marie-Tooth Hereditary Neuropathy; Charcot-Marie-Tooth Neuropathy. Identifiers: Orphanet 166, MedGen C0007959, MONDO:0015626.

Allele frequency attached by ClinVar (database versions not stated): TOPMed 0.00409; gnomAD exomes 0.00483 and 0.00621; ExAC 0.00503; gnomAD 0.00541; 1000 Genomes Project 30x 0.00312; 1000 Genomes Project 0.00319; ESP Exome Variant Server 0.00361.

Submissions (11):

CeGaT Center for Human Genetics Tuebingen
Classification: Likely benign. Last evaluated: 2026-09-01. Review status: criteria provided, single submitter. Criteria: CeGaT Center For Human Genetics Tuebingen Variant Classification Criteria Version 2. Collection method: clinical testing. Allele origin: germline. Affected: yes. Observed: 31 variant alleles.
Comment: MARS1: BP4, BS2

Labcorp Genetics (formerly Invitae), Labcorp
Classification: Benign for Charcot-Marie-Tooth disease axonal type 2U; Severe early-onset pulmonary alveolar proteinosis due to MARS deficiency. Last evaluated: 2026-01-27. Review status: criteria provided, single submitter. Criteria: Invitae Variant Classification Sherloc (09022015). Collection method: clinical testing. Allele origin: germline.

PreventionGenetics, part of Exact Sciences
Classification: Benign for MARS1-related condition. Last evaluated: 2025-03-18. Review status: criteria provided, single submitter. Criteria: ACMG Guidelines, 2015. Collection method: clinical testing. Allele origin: germline.
Comment: This variant is classified as benign based on ACMG/AMP sequence variant interpretation guidelines (Richards et al. 2015 PMID: 25741868, with internal and published modifications).

ARUP Laboratories, Molecular Genetics and Genomics, ARUP Laboratories
Classification: Likely benign. Last evaluated: 2025-03-14. Review status: criteria provided, single submitter. Criteria: ARUP Molecular Germline Variant Investigation Process 2024. Collection method: clinical testing. Allele origin: germline.

Blueprint Genetics
Classification: Likely benign. Last evaluated: 2024-11-13. Review status: criteria provided, single submitter. Criteria: ACMG Guidelines, 2015. Collection method: clinical testing. Allele origin: germline.

Ambry Genetics
Classification: Likely benign. Last evaluated: 2021-06-12. Review status: criteria provided, single submitter. Criteria: Ambry Variant Classification Scheme 2023. Collection method: clinical testing. Allele origin: germline.

Mayo Clinic Laboratories, Mayo Clinic
Classification: Benign. Last evaluated: 2019-10-02. Review status: criteria provided, single submitter. Criteria: ACMG Guidelines, 2015. Collection method: clinical testing. Allele origin: germline. Observed: 20 variant alleles.

GeneDx
Classification: Likely benign. Last evaluated: 2018-02-01. Review status: criteria provided, single submitter. Criteria: GeneDx Variant Classification (06012015). Collection method: clinical testing. Allele origin: germline. Affected: yes.
Comment: This variant is considered likely benign or benign based on one or more of the following criteria: it is a conservative change, it occurs at a poorly conserved position in the protein, it is predicted to be benign by multiple in silico algorithms, and/or has population frequency not consistent with disease.

Molecular Genetics Laboratory, London Health Sciences Centre
Classification: Likely benign for Charcot-Marie-Tooth disease. Review status: criteria provided, single submitter. Criteria: ACMG Guidelines, 2015. Collection method: clinical testing. Allele origin: germline. Affected: yes.

Clinical Genetics, Academic Medical Center
Classification: Benign. Review status: no assertion criteria provided. Collection method: clinical testing. Allele origin: germline. Affected: yes. Study: VKGL Data-share Consensus. Not counted in ClinVar's aggregate classification.

Genome Diagnostics Laboratory, University Medical Center Utrecht
Classification: Likely benign. Review status: no assertion criteria provided. Collection method: clinical testing. Allele origin: germline. Affected: yes. Study: VKGL Data-share Consensus. Not counted in ClinVar's aggregate classification.

NM_004990.4(MARS1):c.2180G>A (p.Arg727Gln)

Gene: MARS1 (methionyl-tRNA synthetase 1; plus strand). Cytogenetic location: 12q13.3.
Variant type: single nucleotide variant.
Coding change: c.2180G>A on transcript NM_004990.4 (MANE Select); coding-DNA position 2180, G replaced by A.
Protein change: p.Arg727Gln; replaces arginine 727 with glutamine.
Molecular consequence: missense variant.
Genome position (GRCh38, 1-based): chr12:57,515,034, G>A. VCF-style: chr12-57515034-G-A. GRCh37 (hg19) VCF-style: chr12-57908817-G-A.
Other names: p.Arg727Gln; short protein forms R727Q.
Identifiers: ClinVar variation 380553 (VCV000380553.106), dbSNP rs113808165, ClinGen allele CA6650727.